The following is an entry in ClinVar:

NM_001197104.2(KMT2A):c.10779G>A (p.Gln3593=)

Gene: KMT2A (lysine methyltransferase 2A; plus strand). Cytogenetic location: 11q23.3.
Variant type: single nucleotide variant.
Coding change: c.10779G>A on transcript NM_001197104.2 (MANE Select); coding-DNA position 10779, G replaced by A.
Protein change: p.Gln3593=; no amino-acid change (glutamine 3593 retained).
Molecular consequence: synonymous variant.
Genome position (GRCh38, 1-based): chr11:118,507,553, G>A. VCF-style: chr11-118507553-G-A. GRCh37 (hg19) VCF-style: chr11-118378268-G-A.
Other names: c.10869G>A, p.Gln3623= (NM_001412597.1); c.10770G>A, p.Gln3590= (NM_005933.4).
Identifiers: ClinVar variation 3030032 (VCV003030032.2), dbSNP rs2134419329, ClinGen allele CA477093709.

ClinVar aggregate classification (germline): Likely benign (0 of 4 stars; one submission).

Conditions:
KMT2A-related disorder. Also called: KMT2A-related condition.

Submission:

PreventionGenetics, part of Exact Sciences
Classification: Likely benign for KMT2A-related condition. Last evaluated: 2021-04-13. Review status: no assertion criteria provided. Collection method: clinical testing. Allele origin: germline.
Comment: This variant is classified as likely benign based on ACMG/AMP sequence variant interpretation guidelines (Richards et al. 2015 PMID: 25741868, with internal and published modifications).